The following is an entry in ClinVar:

ClinVar aggregate classification (germline): Pathogenic (3 of 4 stars; one submission).

Conditions:
Glanzmann thrombasthenia. Also called: BLEEDING DISORDER, PLATELET-TYPE, 2; THROMBASTHENIA OF GLANZMANN AND NAEGELI; PLATELET GLYCOPROTEIN IIb-IIIa DEFICIENCY; Glanzmann's thrombasthenia; Thrombasthenia. Identifiers: Orphanet 849, MedGen C0040015, MONDO:0100326.

Allele frequency attached by ClinVar (database versions not stated): TOPMed 0.00002.
gnomAD v4.1: 17 of 1,614,054 alleles (0.0011%); highest among the groups gnomAD compares: Non-Finnish European, 0.0014%; no homozygotes.

Submission:

ClinGen Platelet Disorders Variant Curation Expert Panel, ClinGen
Classification: Pathogenic for Glanzmann thrombasthenia. Last evaluated: 2020-09-06. Review status: reviewed by expert panel. Criteria: ClinGen Platelet ACMG Specifications v2. Collection method: curation. Allele origin: germline. Inheritance: Autosomal recessive inheritance.
Comment: The ITGA2B nonsense variant NM_000419.4:c.1413C>G (p.Tyr471Ter) introduces a premature termination codon and the resulting mRNA product is predicted to undergo nonsense mediated decay, leading to loss of normal protein function. Furthermore, this variant has been reported in low frequencies in population databases (<1/10,000 alleles in gnomAD). In summary, this variant meets criteria to be classified as pathogenic for GT. GT-specific criteria applied: PVS1, PM2_Supporting, PM3_supporting, and PP4_strong.

Literature cited by the submitters: PubMed 20492470.

NM_000419.5(ITGA2B):c.1413C>G (p.Tyr471Ter)

Gene: ITGA2B (integrin subunit alpha 2b; minus strand). Cytogenetic location: 17q21.31.
Variant type: single nucleotide variant.
Coding change: c.1413C>G on transcript NM_000419.5 (MANE Select); coding-DNA position 1413, C replaced by G.
Protein change: p.Tyr471Ter; replaces tyrosine 471 with a stop codon.
Molecular consequence: nonsense.
Genome position (GRCh38, 1-based): chr17:44,380,626, G>C on the plus strand (C>G on the coding strand, the complement: ITGA2B is on the minus strand). VCF-style: chr17-44380626-G-C. GRCh37 (hg19) VCF-style: chr17-42457994-G-C.
Other names: short protein forms Y471*.
Identifiers: ClinVar variation 953064 (VCV000953064.3), dbSNP rs78218617, ClinGen allele CA290950376.